The following is an entry in ClinVar:

ClinVar aggregate classification (germline): Uncertain significance. Review status: criteria provided, multiple submitters, no conflicts (2 of 4 stars). 3 submissions from 3 submitters: Uncertain significance (3). Last evaluated 2024-01-15.

Conditions:
Inborn genetic diseases. Identifiers: MedGen C0950123, MeSH D030342.
Cortical dysplasia-focal epilepsy syndrome (PTHSL1). Also called: Pitt-Hopkins-like syndrome 1. Identifiers: Orphanet 163681, Orphanet 221150, MedGen C2750246, MONDO:0012400, OMIM 610042.

Allele frequency attached by ClinVar (database versions not stated): gnomAD exomes 0.00002 and 0.00007; gnomAD 0.00003; ExAC 0.00004; TOPMed 0.00006.
gnomAD v4.1: 39 of 1,613,934 alleles (0.0024%); highest among the groups gnomAD compares: Admixed American, 0.02%; no homozygotes.

Submissions (3):

Labcorp Genetics (formerly Invitae), Labcorp
Classification: Uncertain significance for Cortical dysplasia-focal epilepsy syndrome. Last evaluated: 2024-01-15. Review status: criteria provided, single submitter. Criteria: Invitae Variant Classification Sherloc (09022015). Collection method: clinical testing. Allele origin: germline.
Comment: This sequence change replaces serine, which is neutral and polar, with leucine, which is neutral and non-polar, at codon 964 of the CNTNAP2 protein (p.Ser964Leu). This variant is present in population databases (rs768784351, gnomAD 0.03%). This variant has not been reported in the literature in individuals affected with CNTNAP2-related conditions. ClinVar contains an entry for this variant (Variation ID: 205275). An algorithm developed to predict the effect of missense changes on protein structure and function (PolyPhen-2) suggests that this variant¬†is likely to be tolerated. In summary, the available evidence is currently insufficient to determine the role of this variant in disease. Therefore, it has been classified as a Variant of Uncertain Significance.

GeneDx
Classification: Uncertain significance. Last evaluated: 2021-01-11. Review status: criteria provided, single submitter. Criteria: GeneDx Variant Classification Process June 2021. Collection method: clinical testing. Allele origin: germline. Affected: yes.
Comment: Has not been previously published as pathogenic or benign to our knowledge; In silico analysis supports that this missense variant does not alter protein structure/function

Ambry Genetics
Classification: Uncertain significance for Inborn genetic diseases. Last evaluated: 2017-10-27. Review status: criteria provided, single submitter. Criteria: Ambry Variant Classification Scheme 2023. Collection method: clinical testing. Allele origin: germline.
Comment: The p.S964L variant (also known as c.2891C>T), located in coding exon 18 of the CNTNAP2 gene, results from a C to T substitution at nucleotide position 2891. The serine at codon 964 is replaced by leucine, an amino acid with dissimilar properties. This amino acid position is not well conserved in available vertebrate species. In addition, this alteration is predicted to be tolerated by in silico analysis. Since supporting evidence is limited at this time, the clinical significance of this alteration remains unclear.

NM_014141.6(CNTNAP2):c.2891C>T (p.Ser964Leu)

Genes: CNTNAP2 (contactin associated protein 2; plus strand), LOC126860216 (BRD4-independent group 4 enhancer GRCh37_chr7:147868766-147869965; plus strand). Cytogenetic location: 7q35.
Variant type: single nucleotide variant.
Coding change: c.2891C>T on transcript NM_014141.6 (MANE Select); coding-DNA position 2891, C replaced by T.
Protein change: p.Ser964Leu; replaces serine 964 with leucine.
Molecular consequence: missense variant.
Genome position (GRCh38, 1-based): chr7:148,172,359, C>T. VCF-style: chr7-148172359-C-T. GRCh37 (hg19) VCF-style: chr7-147869451-C-T.
Other names: p.S964L:TCG>TTG; short protein forms S964L.
Identifiers: ClinVar variation 205275 (VCV000205275.10), dbSNP rs768784351, ClinGen allele CA314184.